The following is an entry in ClinVar:

NM_001114753.3(ENG):c.697A>G (p.Thr233Ala)

Gene: ENG (endoglin; minus strand). Cytogenetic location: 9q34.11.
Variant type: single nucleotide variant.
Coding change: c.697A>G on transcript NM_001114753.3 (MANE Select); coding-DNA position 697, A replaced by G.
Protein change: p.Thr233Ala; replaces threonine 233 with alanine.
Molecular consequence: missense variant.
Genome position (GRCh38, 1-based): chr9:127,825,350, T>C on the plus strand (A>G on the coding strand, the complement: ENG is on the minus strand). VCF-style: chr9-127825350-T-C. GRCh37 (hg19) VCF-style: chr9-130587629-T-C.
Other names: c.697A>G, p.Thr233Ala (NM_000118.4, NM_001406715.1); c.151A>G, p.Thr51Ala (NM_001278138.2); short protein forms T233A, T51A.
Identifiers: ClinVar variation 5035936 (VCV005035936.1).

ClinVar aggregate classification (germline): Uncertain significance (1 of 4 stars; one submission).

Conditions:
Cardiovascular phenotype. Identifiers: MedGen CN230736.

gnomAD v4.1: 2 of 1,607,262 alleles (0.00012%); highest among the groups gnomAD compares: Non-Finnish European, 0.00017%; no homozygotes.

Submission:

Ambry Genetics
Classification: Uncertain significance for Cardiovascular phenotype. Last evaluated: 2026-08-23. Review status: criteria provided, single submitter. Criteria: Ambry Variant Classification Scheme 2023. Collection method: clinical testing. Allele origin: germline.
Comment: The p.T233A variant (also known as c.697A>G), located in coding exon 6 of the ENG gene, results from an A to G substitution at nucleotide position 697. The threonine at codon 233 is replaced by alanine, an amino acid with similar properties. This amino acid position is conserved. In addition, this alteration is predicted to be tolerated by in silico analysis. Based on the available evidence, the clinical significance of this variant remains unclear.